The following is an entry in ClinVar:

NM_000430.4(PAFAH1B1):c.623T>C (p.Val208Ala)

Gene: PAFAH1B1 (platelet activating factor acetylhydrolase 1b regulatory subunit 1; plus strand). Cytogenetic location: 17p13.3.
Variant type: single nucleotide variant.
Coding change: c.623T>C on transcript NM_000430.4 (MANE Select); coding-DNA position 623, T replaced by C.
Protein change: p.Val208Ala; replaces valine 208 with alanine.
Molecular consequence: missense variant.
Genome position (GRCh38, 1-based): chr17:2,672,709, T>C. VCF-style: chr17-2672709-T-C. GRCh37 (hg19) VCF-style: chr17-2576003-T-C.
Other names: short protein forms V208A.
Identifiers: ClinVar variation 1691668 (VCV001691668.4), dbSNP rs2069200486, ClinGen allele CA397641316.

ClinVar aggregate classification (germline): Uncertain significance (1 of 4 stars; one submission).

Allele frequency attached by ClinVar (database versions not stated): TOPMed below 0.00001.

Submission:

GeneDx
Classification: Uncertain significance. Last evaluated: 2023-04-09. Review status: criteria provided, single submitter. Criteria: GeneDx Variant Classification Process June 2021. Collection method: clinical testing. Allele origin: germline. Affected: yes.
Comment: Not observed at significant frequency in large population cohorts (gnomAD); In silico analysis supports that this missense variant has a deleterious effect on protein structure/function; Has not been previously published as pathogenic or benign to our knowledge